The following is an entry in ClinVar:

NM_017636.4(TRPM4):c.3083T>C (p.Leu1028Pro)

Gene: TRPM4 (transient receptor potential cation channel subfamily M member 4; plus strand). Cytogenetic location: 19q13.33.
Variant type: single nucleotide variant.
Coding change: c.3083T>C on transcript NM_017636.4 (MANE Select); coding-DNA position 3083, T replaced by C.
Protein change: p.Leu1028Pro; replaces leucine 1028 with proline.
Molecular consequence: missense variant.
Genome position (GRCh38, 1-based): chr19:49,202,093, T>C. VCF-style: chr19-49202093-T-C. GRCh37 (hg19) VCF-style: chr19-49705350-T-C.
Other names: c.2648T>C, p.Leu883Pro (NM_001195227.2); c.2738T>C, p.Leu913Pro (NM_001321281.2); c.1475T>C, p.Leu492Pro (NM_001321282.2); c.2561T>C, p.Leu854Pro (NM_001321283.2); c.2021T>C, p.Leu674Pro (NM_001321285.2); short protein forms L854P, L913P, L674P, L883P, L1028P, L492P.
Identifiers: ClinVar variation 3329236 (VCV003329236.2).

ClinVar aggregate classification (germline): Uncertain significance. Review status: criteria provided, multiple submitters, no conflicts (2 of 4 stars). 2 submissions from 2 submitters: Uncertain significance (2). Last evaluated 2025-11-27.

Conditions:
Cardiovascular phenotype. Identifiers: MedGen CN230736.
Progressive familial heart block type IB (PFHB1B). Identifiers: Orphanet 871, MedGen C1970298, MONDO:0011474, OMIM 604559.

gnomAD v4.1: 3 of 1,614,024 alleles (0.00019%); highest among the groups gnomAD compares: Admixed American, 0.0017%; no homozygotes.

Submissions (2):

Labcorp Genetics (formerly Invitae), Labcorp
Classification: Uncertain significance for Progressive familial heart block type IB. Last evaluated: 2025-11-27. Review status: criteria provided, single submitter. Criteria: Invitae Variant Classification Sherloc (09022015). Collection method: clinical testing. Allele origin: germline.
Comment: This sequence change replaces leucine, which is neutral and non-polar, with proline, which is neutral and non-polar, at codon 1028 of the TRPM4 protein (p.Leu1028Pro). This variant is not present in population databases (gnomAD no frequency). This variant has not been reported in the literature in individuals affected with TRPM4-related conditions. ClinVar contains an entry for this variant (Variation ID: 3329236). An algorithm developed to predict the effect of missense changes on protein structure and function (PolyPhen-2) suggests that this variant is likely to be disruptive. In summary, the available evidence is currently insufficient to determine the role of this variant in disease. Therefore, it has been classified as a Variant of Uncertain Significance.

Ambry Genetics
Classification: Uncertain significance for Cardiovascular phenotype. Last evaluated: 2024-04-13. Review status: criteria provided, single submitter. Criteria: Ambry Variant Classification Scheme 2023. Collection method: clinical testing. Allele origin: germline.
Comment: The p.L1028P variant (also known as c.3083T>C), located in coding exon 20 of the TRPM4 gene, results from a T to C substitution at nucleotide position 3083. The leucine at codon 1028 is replaced by proline, an amino acid with similar properties. This amino acid position is conserved. In addition, this alteration is predicted to be deleterious by in silico analysis. Based on the available evidence, the clinical significance of this variant remains unclear.